The following is an entry in ClinVar:

NM_000071.3(CBS):c.1035G>T (p.Leu345=)

Gene: CBS (cystathionine beta-synthase; minus strand). Cytogenetic location: 21q22.3.
Variant type: single nucleotide variant.
Coding change: c.1035G>T on transcript NM_000071.3 (MANE Select); coding-DNA position 1035, G replaced by T.
Protein change: p.Leu345=; no amino-acid change (leucine 345 retained).
Molecular consequence: synonymous variant.
Genome position (GRCh38, 1-based): chr21:43,062,315, C>A on the plus strand (G>T on the coding strand, the complement: CBS is on the minus strand). VCF-style: chr21-43062315-C-A. GRCh37 (hg19) VCF-style: chr21-44482425-C-A.
Other names: c.1035G>T, p.Leu345= (NM_001178008.3, NM_001178009.3, NM_001320298.2); c.720G>T, p.Leu240= (NM_001321072.1).
Identifiers: ClinVar variation 1149446 (VCV001149446.40), dbSNP rs746340769, ClinGen allele CA321090511.

ClinVar aggregate classification (germline): Likely benign. Review status: criteria provided, multiple submitters, no conflicts (2 of 4 stars). 3 submissions from 3 submitters: Likely benign (3). Last evaluated 2024-12-02.

Conditions:
HYPERHOMOCYSTEINEMIA, THROMBOTIC, CBS-RELATED. Identifiers: MedGen C3150344, OMIM 236200.
Familial thoracic aortic aneurysm and aortic dissection (TAAD). Also called: Thoracic aortic aneurysms and dissections. Identifiers: Orphanet 91387, MedGen C4707243, MONDO:0019625.

Allele frequency attached by ClinVar (database versions not stated): ExAC 0.00001; gnomAD exomes 0.00001.

Submissions (3):

Labcorp Genetics (formerly Invitae), Labcorp
Classification: Likely benign for HYPERHOMOCYSTEINEMIA, THROMBOTIC, CBS-RELATED. Last evaluated: 2024-12-02. Review status: criteria provided, single submitter. Criteria: Invitae Variant Classification Sherloc (09022015). Collection method: clinical testing. Allele origin: germline.

CeGaT Center for Human Genetics Tuebingen
Classification: Likely benign. Last evaluated: 2022-04-01. Review status: criteria provided, single submitter. Criteria: CeGaT Center For Human Genetics Tuebingen Variant Classification Criteria Version 2. Collection method: clinical testing. Allele origin: germline. Affected: yes. Observed: 1 variant allele.
Comment: CBS: BP4, BP7; CBSL: BP4, BP7

Ambry Genetics
Classification: Likely benign for Familial thoracic aortic aneurysm and aortic dissection. Last evaluated: 2019-09-16. Review status: criteria provided, single submitter. Criteria: Ambry Variant Classification Scheme 2023. Collection method: clinical testing. Allele origin: germline.